The following is an entry in ClinVar:

NM_000297.4(PKD2):c.1258A>G (p.Arg420Gly)

Gene: PKD2 (polycystin 2, transient receptor potential cation channel; plus strand). Cytogenetic location: 4q22.1.
Variant type: single nucleotide variant.
Coding change: c.1258A>G on transcript NM_000297.4 (MANE Select); coding-DNA position 1258, A replaced by G.
Protein change: p.Arg420Gly; replaces arginine 420 with glycine.
Molecular consequence: missense variant. On other transcripts: non-coding transcript variant (1).
Genome position (GRCh38, 1-based): chr4:88,043,396, A>G. VCF-style: chr4-88043396-A-G. GRCh37 (hg19) VCF-style: chr4-88964548-A-G.
Other names: short protein forms R420G.
Identifiers: ClinVar variation 972821 (VCV000972821.2), dbSNP rs1727651995, ClinGen allele CA357615984.

ClinVar aggregate classification (germline): Conflicting classifications of pathogenicity. Review status: criteria provided, conflicting classifications (1 of 4 stars). 2 submissions from 2 submitters: Likely pathogenic (1); Uncertain significance (1). Last evaluated 2023-05-09.

Submissions (2):

GeneDx
Classification: Uncertain significance. Last evaluated: 2023-05-09. Review status: criteria provided, single submitter. Criteria: GeneDx Variant Classification Process June 2021. Collection method: clinical testing. Allele origin: germline. Affected: yes.
Comment: Not observed at significant frequency in large population cohorts (gnomAD); In silico analysis supports that this missense variant has a deleterious effect on protein structure/function; This variant is associated with the following publications: (PMID: 35314260, 27991905, 37028763, 27071085, 28154010, 29973168, 33437033, 33102977, 14993477)

Molecular Genetics of Inherited Kidney Disorders Laboratory, Garvan Institute of Medical Research
Classification: Likely pathogenic. Last evaluated: 2019-01-01. Review status: criteria provided, single submitter. Criteria: ACMG Guidelines, 2015. Collection method: clinical testing. Allele origin: germline. Affected: yes.